The following is an entry in ClinVar:

ClinVar aggregate classification (germline): Pathogenic (1 of 4 stars; one submission).

Submission:

Labcorp Genetics (formerly Invitae), Labcorp
Classification: Pathogenic. Last evaluated: 2024-10-23. Review status: criteria provided, single submitter. Criteria: Invitae Variant Classification Sherloc (09022015). Collection method: clinical testing. Allele origin: germline.
Comment: This sequence change creates a premature translational stop signal (p.Lys422*) in the NEXMIF gene. It is expected to result in an absent or disrupted protein product. Loss-of-function variants in NEXMIF are known to be pathogenic (PMID: 23615299). This variant is not present in population databases (gnomAD no frequency). This variant has not been reported in the literature in individuals affected with NEXMIF-related conditions. For these reasons, this variant has been classified as Pathogenic.

Literature cited by the submitters: PubMed 23615299.

NM_001008537.3(NEXMIF):c.1264A>T (p.Lys422Ter)

Gene: NEXMIF (neurite extension and migration factor; minus strand). Cytogenetic location: Xq13.3.
Variant type: single nucleotide variant.
Coding change: c.1264A>T on transcript NM_001008537.3 (MANE Select); coding-DNA position 1264, A replaced by T.
Protein change: p.Lys422Ter; replaces lysine 422 with a stop codon.
Molecular consequence: nonsense.
Genome position (GRCh38, 1-based): chrX:74,743,293, T>A on the plus strand (A>T on the coding strand, the complement: NEXMIF is on the minus strand). VCF-style: chrX-74743293-T-A. GRCh37 (hg19) VCF-style: chrX-73963128-T-A.
Other names: short protein forms K422*.
Identifiers: ClinVar variation 2760857 (VCV002760857.3), dbSNP rs2519915609, ClinGen allele CA413670905.
Genomic context (GRCh38, chrX:74,743,293, plus strand): 5'-CATCACTGAAACTCCCTGATGTCTCCAGGGAATTAGCAAGATGGCCCTGCTTTGGATTCT[T>A]AAGTTGCTCTACTTCAGTCCCACTGCATGGTTTATTTAAGGCAGGCTTTTCTCCATTATC-3'